The following is an entry in ClinVar:

ClinVar aggregate classification (germline): Uncertain significance (1 of 4 stars; one submission).

Conditions:
Cone-rod dystrophy 13 (CORD13). Identifiers: Orphanet 1872, MedGen C2750720, MONDO:0011987, OMIM 608194.
Leber congenital amaurosis 6 (LCA6). Identifiers: Orphanet 65, MedGen C1854260, MONDO:0013446, OMIM 613826.

Allele frequency attached by ClinVar (database versions not stated): gnomAD exomes below 0.00001; gnomAD 0.00001; TOPMed 0.00001.
gnomAD v4.1: 7 of 1,594,050 alleles (0.00044%); highest among the groups gnomAD compares: Non-Finnish European, 0.0006%; no homozygotes.

Submission:

Labcorp Genetics (formerly Invitae), Labcorp
Classification: Uncertain significance for Leber congenital amaurosis 6; Cone-rod dystrophy 13. Last evaluated: 2021-11-12. Review status: criteria provided, single submitter. Criteria: Invitae Variant Classification Sherloc (09022015). Collection method: clinical testing. Allele origin: germline.
Comment: In summary, the available evidence is currently insufficient to determine the role of this variant in disease. Therefore, it has been classified as a Variant of Uncertain Significance. Algorithms developed to predict the effect of missense changes on protein structure and function output the following: SIFT: "Tolerated"; PolyPhen-2: "Benign"; Align-GVGD: "Class C0". The valine amino acid residue is found in multiple mammalian species, which suggests that this missense change does not adversely affect protein function. This variant has not been reported in the literature in individuals affected with RPGRIP1-related conditions. The frequency data for this variant in the population databases is considered unreliable, as metrics indicate poor data quality at this position in the gnomAD database. This sequence change replaces alanine, which is neutral and non-polar, with valine, which is neutral and non-polar, at codon 139 of the RPGRIP1 protein (p.Ala139Val).

NM_020366.4(RPGRIP1):c.416C>T (p.Ala139Val)

Gene: RPGRIP1 (RPGR interacting protein 1; plus strand). Cytogenetic location: 14q11.2.
Variant type: single nucleotide variant.
Coding change: c.416C>T on transcript NM_020366.4 (MANE Select); coding-DNA position 416, C replaced by T.
Protein change: p.Ala139Val; replaces alanine 139 with valine.
Molecular consequence: missense variant.
Genome position (GRCh38, 1-based): chr14:21,301,163, C>T. VCF-style: chr14-21301163-C-T. GRCh37 (hg19) VCF-style: chr14-21769322-C-T.
Other names: short protein forms A139V.
Identifiers: ClinVar variation 1411639 (VCV001411639.6), dbSNP rs1169371081, ClinGen allele CA388859219.
Genomic context (GRCh38, chr14:21,301,163, plus strand): 5'-CCCAGATGCACCGACTGCAAGGGCATTTCCACTGCGTCGGCCCTGCCAGCCCCCGCCGCG[C>T]CCAGCCTCGCGTCCAAGTGGGACACAGACAGCTCCACACAGCCGGTGCACCGGTGCCGGA-3'
Protein context (NP_065099.3, residues 129-149): HCVGPASPRR[Ala139Val]QPRVQVGHRQ